The following is an entry in ClinVar:

NM_000937.5(POLR2A):c.2354T>C (p.Ile785Thr)

Genes: POLR2A (RNA polymerase II subunit A; plus strand), LOC126862481 (BRD4-independent group 4 enhancer GRCh37_chr17:7405086-7406285; plus strand). Cytogenetic location: 17p13.1.
Variant type: single nucleotide variant.
Coding change: c.2354T>C on transcript NM_000937.5 (MANE Select); coding-DNA position 2354, T replaced by C.
Protein change: p.Ile785Thr; replaces isoleucine 785 with threonine.
Molecular consequence: missense variant.
Genome position (GRCh38, 1-based): chr17:7,501,904, T>C. VCF-style: chr17-7501904-T-C. GRCh37 (hg19) VCF-style: chr17-7405223-T-C.
Other names: c.2354T>C (NM_000937.4); short protein forms I785T.
Identifiers: ClinVar variation 1996464 (VCV001996464.5), dbSNP rs2508138543, ClinGen allele CA397887513.

ClinVar aggregate classification (germline): Uncertain significance. Review status: criteria provided, multiple submitters, no conflicts (2 of 4 stars). 2 submissions from 2 submitters: Uncertain significance (2). Last evaluated 2025-07-10.

Submissions (2):

GeneDx
Classification: Uncertain significance. Last evaluated: 2025-07-10. Review status: criteria provided, single submitter. Criteria: GeneDx Variant Classification Process June 2021. Collection method: clinical testing. Allele origin: germline. Affected: yes.
Comment: Not observed at significant frequency in large population cohorts (gnomAD); In silico analysis supports that this missense variant has a deleterious effect on protein structure/function; Has not been previously published as pathogenic or benign to our knowledge

Labcorp Genetics (formerly Invitae), Labcorp
Classification: Uncertain significance. Last evaluated: 2022-05-19. Review status: criteria provided, single submitter. Criteria: Invitae Variant Classification Sherloc (09022015). Collection method: clinical testing. Allele origin: germline.
Comment: In summary, the available evidence is currently insufficient to determine the role of this variant in disease. Therefore, it has been classified as a Variant of Uncertain Significance. Algorithms developed to predict the effect of missense changes on protein structure and function are either unavailable or do not agree on the potential impact of this missense change (SIFT: "Tolerated"; PolyPhen-2: "Probably Damaging"; Align-GVGD: "Class C0"). This variant has not been reported in the literature in individuals affected with POLR2A-related conditions. This variant is not present in population databases (gnomAD no frequency). This sequence change replaces isoleucine, which is neutral and non-polar, with threonine, which is neutral and polar, at codon 785 of the POLR2A protein (p.Ile785Thr).